The following is an entry in ClinVar:

NM_000169.3(GLA):c.640-856A>G

Genes: GLA (galactosidase alpha; minus strand), RPL36A-HNRNPH2 (RPL36A-HNRNPH2 readthrough; plus strand). Cytogenetic location: Xq22.1.
Variant type: single nucleotide variant.
Coding change: c.640-856A>G on transcript NM_000169.3 (MANE Select); 856 bases into the intron before coding-DNA position 640, A replaced by G.
Molecular consequence: intron variant.
Genome position (GRCh38, 1-based): chrX:101,399,802, T>C on the plus strand (A>G on the coding strand, the complement: GLA is on the minus strand). VCF-style: chrX-101399802-T-C. GRCh37 (hg19) VCF-style: chrX-100654790-T-C.
Other names: c.300+4345T>C (NM_001199973.2); c.177+7980T>C (NM_001199974.2); c.763-856A>G (NM_001406747.1); c.640-856A>G (NM_001406748.1).
Identifiers: ClinVar variation 4087118 (VCV004087118.2).
Genomic context (GRCh38, chrX:101,399,802, plus strand): 5'-ACACTCTAGTGGGGAGACATGGTAACAAGTCAACAAATACTTCCAAATAGTGTGGAGCTC[T>C]GAGAAGAAAATTAAACAGGTTAATGTGATGAAGAATGAATGGACAGAGGGCTATTTTAAA-3'

ClinVar aggregate classification (germline): Uncertain significance (1 of 4 stars; one submission).

Conditions:
Fabry disease. Also called: ALPHA-GALACTOSIDASE A DEFICIENCY; ANDERSON-FABRY DISEASE; CERAMIDE TRIHEXOSIDASE DEFICIENCY; GLA DEFICIENCY; HEREDITARY DYSTOPIC LIPIDOSIS; Angiokeratoma corporis diffusum. Identifiers: Orphanet 324, MedGen C0002986, MONDO:0010526, OMIM 301500, HP:0001071. Disease mechanism: Fabry disease is due to inactivating mutations in the X-linked GLA gene resulting in deficiency of the enzyme Alpha Galactosidase-A., loss of function.

Submission:

Genomenon, Inc
Classification: Uncertain significance for Fabry disease. Last evaluated: 2026-09-08. Review status: criteria provided, single submitter. Criteria: Genomenon Sequence Variant Interpretation Standards - Updated. Collection method: curation. Allele origin: germline. Affected: yes.
Comment: GLA c.640-856A>G is an intronic variant located in intron 4. This variant has been observed in at least one proband with clinical features consistent with Fabry disease (PMID:39330351). It is absent or not present at a significant frequency in gnomAD. In conclusion, we classify GLA c.640-856A>G as a variant of uncertain significance.

Literature cited by the submitters: PubMed 39330351.